The following is an entry in ClinVar:

NM_006231.4(POLE):c.1740C>A (p.His580Gln)

Gene: POLE (DNA polymerase epsilon, catalytic subunit; minus strand). Cytogenetic location: 12q24.33.
Variant type: single nucleotide variant.
Coding change: c.1740C>A on transcript NM_006231.4 (MANE Select); coding-DNA position 1740, C replaced by A.
Protein change: p.His580Gln; replaces histidine 580 with glutamine.
Molecular consequence: missense variant.
Genome position (GRCh38, 1-based): chr12:132,672,269, G>T on the plus strand (C>A on the coding strand, the complement: POLE is on the minus strand). VCF-style: chr12-132672269-G-T. GRCh37 (hg19) VCF-style: chr12-133248855-G-T.
Other names: short protein forms H580Q.
Identifiers: ClinVar variation 3781602 (VCV003781602.1).

ClinVar aggregate classification (germline): Uncertain significance (1 of 4 stars; one submission).

Conditions:
Hereditary cancer-predisposing syndrome. Also called: Neoplastic Syndromes, Hereditary; Hereditary Cancer Syndrome; Tumor predisposition; Hereditary neoplastic syndrome. Identifiers: Orphanet 140162, MedGen C0027672, MeSH D009386, MONDO:0015356.

Submission:

Ambry Genetics
Classification: Uncertain significance for Hereditary cancer-predisposing syndrome. Last evaluated: 2025-03-02. Review status: criteria provided, single submitter. Criteria: Ambry Variant Classification Scheme 2023. Collection method: clinical testing. Allele origin: germline.
Comment: The p.H580Q variant (also known as c.1740C>A), located in coding exon 16 of the POLE gene, results from a C to A substitution at nucleotide position 1740. The histidine at codon 580 is replaced by glutamine, an amino acid with highly similar properties. This amino acid position is conserved. In addition, this alteration is predicted to be tolerated by in silico analysis. Based on the available evidence, the clinical significance of this variant remains unclear.